The following is an entry in ClinVar:

NM_172107.4(KCNQ2):c.1223A>T (p.Asp408Val)

Gene: KCNQ2 (potassium voltage-gated channel subfamily Q member 2; minus strand). Cytogenetic location: 20q13.33.
Variant type: single nucleotide variant.
Coding change: c.1223A>T on transcript NM_172107.4 (MANE Select); coding-DNA position 1223, A replaced by T.
Protein change: p.Asp408Val; replaces aspartic acid 408 with valine.
Molecular consequence: missense variant.
Genome position (GRCh38, 1-based): chr20:63,424,201, T>A on the plus strand (A>T on the coding strand, the complement: KCNQ2 is on the minus strand). VCF-style: chr20-63424201-T-A. GRCh37 (hg19) VCF-style: chr20-62055554-T-A.
Other names: c.1223A>T, p.Asp408Val (NM_001382235.1, NM_172106.3, NM_172108.5); c.1193A>T, p.Asp398Val (NM_004518.6); short protein forms D408V, D398V.
Identifiers: ClinVar variation 1409640 (VCV001409640.8), dbSNP rs1202656129, ClinGen allele CA409649221.
Genomic context (GRCh38, chr20:63,424,201, plus strand): 5'-ACGGCAGACACCAGGGTAGCAGCAGGGGGCACTGACCTTGGAGACGGCTCCGGCGGGGGG[T>A]CCTTCCTTCAAACAGAAGCAACAGAGAGTTAGTGGCCGCCCACTCAGCACCCATGAGGGT-3'
Protein context (NP_742105.1, residues 398-418): KSKSGLAFRK[Asp408Val]PPPEPSPSKG

ClinVar aggregate classification (germline): Uncertain significance (1 of 4 stars; one submission).

Conditions:
Developmental and epileptic encephalopathy. Identifiers: MedGen C5779964, MONDO:0100620.

Allele frequency attached by ClinVar (database versions not stated): gnomAD exomes below 0.00001 and 0.00001; gnomAD 0.00001; TOPMed 0.00001.
gnomAD v4.1: 4 of 1,551,624 alleles (0.00026%); highest among the groups gnomAD compares: Non-Finnish European, 0.00035%; no homozygotes.

Submission:

Labcorp Genetics (formerly Invitae), Labcorp
Classification: Uncertain significance for Early-infantile DEE. Last evaluated: 2024-05-04. Review status: criteria provided, single submitter. Criteria: Invitae Variant Classification Sherloc (09022015). Collection method: clinical testing. Allele origin: germline.
Comment: This sequence change replaces aspartic acid, which is acidic and polar, with valine, which is neutral and non-polar, at codon 408 of the KCNQ2 protein (p.Asp408Val). This variant is present in population databases (no rsID available, gnomAD 0.002%). This variant has not been reported in the literature in individuals affected with KCNQ2-related conditions. ClinVar contains an entry for this variant (Variation ID: 1409640). An algorithm developed to predict the effect of missense changes on protein structure and function (PolyPhen-2) suggests that this variant¬†is likely to be tolerated. In summary, the available evidence is currently insufficient to determine the role of this variant in disease. Therefore, it has been classified as a Variant of Uncertain Significance.